The following is an entry in ClinVar:

ClinVar aggregate classification (germline): Uncertain significance (1 of 4 stars; one submission).

Conditions:
Evans syndrome, immunodeficiency, and premature immunosenescence associated with tripeptidyl-peptidase II deficiency. Identifiers: MedGen CN231723. Disease mechanism: loss of function.

Submission:

Labcorp Genetics (formerly Invitae), Labcorp
Classification: Uncertain significance for Evans syndrome, immunodeficiency, and premature immunosenescence associated with tripeptidyl-peptidase II deficiency. Last evaluated: 2019-04-10. Review status: criteria provided, single submitter. Criteria: Invitae Variant Classification Sherloc (09022015). Collection method: clinical testing. Allele origin: germline.
Comment: In summary, the available evidence is currently insufficient to determine the role of this variant in disease. Therefore, it has been classified as a Variant of Uncertain Significance. Algorithms developed to predict the effect of missense changes on protein structure and function are either unavailable or do not agree on the potential impact of this missense change (SIFT: "Tolerated"; PolyPhen-2: "Possibly Damaging"; Align-GVGD: "Class C0"). This variant has not been reported in the literature in individuals with TPP2-related conditions. This variant is not present in population databases (ExAC no frequency). This sequence change replaces proline with threonine at codon 1104 of the TPP2 protein (p.Pro1104Thr). The proline residue is highly conserved and there is a small physicochemical difference between proline and threonine.

NM_001330588.2(TPP2):c.3349C>A (p.Pro1117Thr)

Gene: TPP2 (tripeptidyl peptidase 2; plus strand). Cytogenetic location: 13q33.1.
Variant type: single nucleotide variant.
Coding change: c.3349C>A on transcript NM_001330588.2 (MANE Select); coding-DNA position 3349, C replaced by A.
Protein change: p.Pro1117Thr; replaces proline 1117 with threonine.
Molecular consequence: missense variant. On other transcripts: non-coding transcript variant (1).
Genome position (GRCh38, 1-based): chr13:102,664,903, C>A. VCF-style: chr13-102664903-C-A. GRCh37 (hg19) VCF-style: chr13-103317253-C-A.
Other names: c.3310C>A, p.Pro1104Thr (NM_001367947.1, NM_003291.4); short protein forms P1104T, P1117T.
Identifiers: ClinVar variation 836223 (VCV000836223.9), dbSNP rs1884490224, ClinGen allele CA388508429.